The following is an entry in ClinVar:

NM_000557.5(GDF5):c.347A>G (p.Gln116Arg)

Gene: GDF5 (growth differentiation factor 5; minus strand). Cytogenetic location: 20q11.22.
Variant type: single nucleotide variant.
Coding change: c.347A>G on transcript NM_000557.5 (MANE Select); coding-DNA position 347, A replaced by G.
Protein change: p.Gln116Arg; replaces glutamine 116 with arginine.
Molecular consequence: missense variant.
Genome position (GRCh38, 1-based): chr20:35,437,582, T>C on the plus strand (A>G on the coding strand, the complement: GDF5 is on the minus strand). VCF-style: chr20-35437582-T-C. GRCh37 (hg19) VCF-style: chr20-34025362-T-C.
Other names: c.347A>G, p.Gln116Arg (NM_001319138.2); c.347A>G (NM_000557.2); short protein forms Q116R.
Identifiers: ClinVar variation 1506420 (VCV001506420.8), dbSNP rs146290337, ClinGen allele CA9832370.

ClinVar aggregate classification (germline): Uncertain significance. Review status: criteria provided, multiple submitters, no conflicts (2 of 4 stars). 2 submissions from 2 submitters: Uncertain significance (2). Last evaluated 2024-12-12.

Conditions:
Inborn genetic diseases. Identifiers: MedGen C0950123, MeSH D030342.

Allele frequency attached by ClinVar (database versions not stated): gnomAD exomes 0.00003 and 0.00006; ExAC 0.00011; 1000 Genomes Project 30x 0.00016; 1000 Genomes Project 0.00020; ESP Exome Variant Server 0.00023; TOPMed 0.00031; gnomAD 0.00036 and 0.00038.
gnomAD v4.1: 98 of 1,614,152 alleles (0.0061%); highest among the groups gnomAD compares: African/African-American, 0.13%; 1 homozygote.

Submissions (2):

Labcorp Genetics (formerly Invitae), Labcorp
Classification: Uncertain significance. Last evaluated: 2024-12-12. Review status: criteria provided, single submitter. Criteria: Invitae Variant Classification Sherloc (09022015). Collection method: clinical testing. Allele origin: germline.
Comment: This sequence change replaces glutamine, which is neutral and polar, with arginine, which is basic and polar, at codon 116 of the GDF5 protein (p.Gln116Arg). This variant is present in population databases (rs146290337, gnomAD 0.1%). This variant has not been reported in the literature in individuals affected with GDF5-related conditions. ClinVar contains an entry for this variant (Variation ID: 1506420). Experimental studies and prediction algorithms are not available or were not evaluated, and the functional significance of this variant is currently unknown. In summary, the available evidence is currently insufficient to determine the role of this variant in disease. Therefore, it has been classified as a Variant of Uncertain Significance.

Ambry Genetics
Classification: Uncertain significance for Inborn genetic diseases. Last evaluated: 2021-07-06. Review status: criteria provided, single submitter. Criteria: Ambry Variant Classification Scheme 2023. Collection method: clinical testing. Allele origin: germline.